The following is an entry in ClinVar:

NM_000321.3(RB1):c.1333-1G>A

Gene: RB1 (RB transcriptional corepressor 1; plus strand). Cytogenetic location: 13q14.2.
Variant type: single nucleotide variant.
Coding change: c.1333-1G>A on transcript NM_000321.3 (MANE Select); the canonical splice acceptor site of the intron before coding-DNA position 1333, G replaced by A.
Molecular consequence: splice acceptor variant.
Genome position (GRCh38, 1-based): chr13:48,379,593, G>A. VCF-style: chr13-48379593-G-A. GRCh37 (hg19) VCF-style: chr13-48953729-G-A.
Other names: c.1333-1G>A (NM_001407165.1, NM_001407166.1, NM_000321.2).
Identifiers: ClinVar variation 995880 (VCV000995880.12), dbSNP rs2138140730, ClinGen allele CA388162530.
Genomic context (GRCh38, chr13:48,379,593, plus strand): 5'-ATTTCATAATTGTGATTTTCTAAAATAGCAGGCTCTTATTTTTCTTTTTGTTTGTTTGTA[G>A]CGATACAAACTTGGAGTTCGCTTGTATTACCGAGTAATGGAATCCATGCTTAAATCAGTA-3'

ClinVar aggregate classification (germline): Pathogenic. Review status: criteria provided, multiple submitters, no conflicts (2 of 4 stars). 4 submissions from 4 submitters: Pathogenic (4). Last evaluated 2024-05-20.

Conditions:
Hereditary cancer-predisposing syndrome. Also called: Neoplastic Syndromes, Hereditary; Hereditary Cancer Syndrome; Tumor predisposition; Hereditary neoplastic syndrome. Identifiers: Orphanet 140162, MedGen C0027672, MeSH D009386, MONDO:0015356.
Retinoblastoma (RB1). Also called: RETINOBLASTOMA, SOMATIC. Identifiers: Orphanet 790, MedGen C0035335, MeSH D012175, MONDO:0008380, OMIM 180200, HP:0009919. Disease mechanism: loss of function. Inheritance: Both sporadic and heritable forms are tested..

Submissions (4):

Genetic Diagnostic Laboratory, University of Pennsylvania School of Medicine
Classification: Pathogenic for Retinoblastoma. Last evaluated: 2024-05-20. Review status: criteria provided, single submitter. Criteria: ACMG Guidelines, 2015. Collection method: clinical testing. Allele origin: germline. Affected: yes. Observed: 2 variant alleles.
Comment: Case and Pedigree Information: BILATERAL CASES:2, UNILATERAL CASES:0, TOTAL CASES:2, PEDIGREES:2. ACMG Codes Applied:PVS1, PM2

Ambry Genetics
Classification: Pathogenic for Hereditary cancer-predisposing syndrome. Last evaluated: 2022-01-18. Review status: criteria provided, single submitter. Criteria: Ambry Variant Classification Scheme 2023. Collection method: clinical testing. Allele origin: germline.
Comment: The c.1333-1G>A intronic pathogenic variant results from a G to A substitution one nucleotide upstream from coding exon 14 of the RB1 gene. Alterations that disrupt the canonical splice site are expected to result in aberrant splicing. In silico splice site analysis predicts that this alteration will weaken the native splice acceptor site. The resulting transcript is predicted to be in-frame and is not expected to trigger nonsense-mediated mRNA decay; however, direct evidence is insufficient at this time (Ambry internal data). The exact functional effect of the altered amino acid sequence is unknown; however, the impacted region is critical for protein function (Ambry internal data). This alteration has been observed in individuals with a personal and/or family history that is consistent with RB1-related disease (Ambry internal data; Braggio E et al. J Clin Pathol, 2004 Jun;57:585-90).This nucleotide position is highly conserved in available vertebrate species. Based on the supporting evidence, this alteration is interpreted as a disease-causing mutation.

Labcorp Genetics (formerly Invitae), Labcorp
Classification: Pathogenic for Retinoblastoma. Last evaluated: 2021-02-14. Review status: criteria provided, single submitter. Criteria: Invitae Variant Classification Sherloc (09022015). Collection method: clinical testing. Allele origin: germline.
Comment: This sequence change affects an acceptor splice site in intron 13 of the RB1 gene. It is expected to disrupt RNA splicing. Variants that disrupt the donor or acceptor splice site typically lead to a loss of protein function (PMID: 16199547), and loss-of-function variants in RB1 are known to be pathogenic (PMID: 17096365). This variant is not present in population databases (ExAC no frequency). This variant has been observed in individual(s) with retinoblastoma (PMID: 15166261, 26530098). In at least one individual the variant was observed to be de novo. This variant is also known as g.76429G>A. Algorithms developed to predict the effect of sequence changes on RNA splicing suggest that this variant may disrupt the consensus splice site, but this prediction has not been confirmed by published transcriptional studies. For these reasons, this variant has been classified as Pathogenic.

Department of Pediatrics, Memorial Sloan Kettering Cancer Center
Classification: Pathogenic for Retinoblastoma. Last evaluated: 2020-12-15. Review status: criteria provided, single submitter. Criteria: ACMG Guidelines, 2015. Collection method: research. Allele origin: germline. Affected: yes.

Literature cited by the submitters: PubMed 15166261 (cited by Ambry Genetics and Labcorp Genetics (formerly Invitae), Labcorp); PubMed 16199547 (cited by Labcorp Genetics (formerly Invitae), Labcorp); PubMed 17096365 (cited by Labcorp Genetics (formerly Invitae), Labcorp); PubMed 26530098 (cited by Labcorp Genetics (formerly Invitae), Labcorp); PubMed 28873162 (cited by Department of Pediatrics, Memorial Sloan Kettering Cancer Center).